The following is an entry in ClinVar:

NM_020738.4(KIDINS220):c.4005G>A (p.Thr1335=)

Gene: KIDINS220 (kinase D interacting substrate 220; minus strand). Cytogenetic location: 2p25.1.
Variant type: single nucleotide variant.
Coding change: c.4005G>A on transcript NM_020738.4 (MANE Select); coding-DNA position 4005, G replaced by A.
Protein change: p.Thr1335=; no amino-acid change (threonine 1335 retained).
Molecular consequence: synonymous variant. On other transcripts: non-coding transcript variant (2).
Genome position (GRCh38, 1-based): chr2:8,733,492, C>T on the plus strand (G>A on the coding strand, the complement: KIDINS220 is on the minus strand). VCF-style: chr2-8733492-C-T. GRCh37 (hg19) VCF-style: chr2-8873622-C-T.
Other names: c.4008G>A, p.Thr1336= (NM_001348729.2); c.3951G>A, p.Thr1317= (NM_001348731.2); c.3948G>A, p.Thr1316= (NM_001348732.2, NM_001348738.2); c.3837G>A, p.Thr1279= (NM_001348734.2, NM_001348739.2, NM_001348740.2); c.3834G>A, p.Thr1278= (NM_001348735.2, NM_001348741.2, NM_001348742.2 and 1 more transcripts); c.3708G>A, p.Thr1236= (NM_001348736.2).
Identifiers: ClinVar variation 742791 (VCV000742791.10), dbSNP rs376711166, ClinGen allele CA1519450.

ClinVar aggregate classification (germline): Likely benign. Review status: criteria provided, single submitter (1 of 4 stars). 2 submissions from 2 submitters: Likely benign (1). 1 of the submissions does not count toward it. Last evaluated 2025-09-16.

Conditions:
KIDINS220-related disorder. Also called: KIDINS220-related condition.

Allele frequency attached by ClinVar (database versions not stated): gnomAD 0.00006.
gnomAD v4.1: 23 of 1,613,992 alleles (0.0014%); highest among the groups gnomAD compares: Admixed American, 0.028%; no homozygotes.

Submissions (2):

Labcorp Genetics (formerly Invitae), Labcorp
Classification: Likely benign. Last evaluated: 2025-09-16. Review status: criteria provided, single submitter. Criteria: Invitae Variant Classification Sherloc (09022015). Collection method: clinical testing. Allele origin: germline.

PreventionGenetics, part of Exact Sciences
Classification: Likely benign for KIDINS220-related condition. Last evaluated: 2021-09-01. Review status: no assertion criteria provided. Collection method: clinical testing. Allele origin: germline. Not counted in ClinVar's aggregate classification.
Comment: This variant is classified as likely benign based on ACMG/AMP sequence variant interpretation guidelines (Richards et al. 2015 PMID: 25741868, with internal and published modifications).